The following is an entry in ClinVar:

NM_201384.3(PLEC):c.8614G>A (p.Val2872Met)

Gene: PLEC (plectin; minus strand). Cytogenetic location: 8q24.3.
Variant type: single nucleotide variant.
Coding change: c.8614G>A on transcript NM_201384.3 (MANE Select); coding-DNA position 8614, G replaced by A.
Protein change: p.Val2872Met; replaces valine 2872 with methionine.
Molecular consequence: missense variant.
Genome position (GRCh38, 1-based): chr8:143,921,207, C>T on the plus strand (G>A on the coding strand, the complement: PLEC is on the minus strand). VCF-style: chr8-143921207-C-T. GRCh37 (hg19) VCF-style: chr8-144995375-C-T.
Other names: c.8695G>A, p.Val2899Met (NM_000445.5); c.8572G>A, p.Val2858Met (NM_201378.4); c.8548G>A, p.Val2850Met (NM_201379.3); c.9025G>A, p.Val3009Met (NM_201380.4); c.8518G>A, p.Val2840Met (NM_201381.3); c.8614G>A, p.Val2872Met (NM_201382.4); c.8626G>A, p.Val2876Met (NM_201383.3); short protein forms V2840M, V2850M, V2858M, V2899M, V3009M, V2872M, V2876M.
Identifiers: ClinVar variation 952173 (VCV000952173.8), dbSNP rs201448049, ClinGen allele CA4925248.

ClinVar aggregate classification (germline): Uncertain significance. Review status: criteria provided, multiple submitters, no conflicts (2 of 4 stars). 2 submissions from 2 submitters: Uncertain significance (2). Last evaluated 2025-12-10.

Conditions:
Epidermolysis bullosa simplex, Ogna type (EBS5A). Also called: Pidermolysis bullosa simplex 5A, Ogna type; EPIDERMOLYSIS BULLOSA SIMPLEX 5A, OGNA TYPE. Identifiers: Orphanet 79401, MedGen C0432317, MONDO:0007555, OMIM 131950.
Epidermolysis bullosa simplex 5C, with pyloric atresia (EBS5C). Also called: PLEC1-Related Epidermolysis Bullosa with Pyloric Atresia; PLEC-Related Epidermolysis Bullosa with Pyloric Atresia; Epidermolysis bullosa simplex with pyloric atresia. Identifiers: Orphanet 158684, MedGen C2677349, MONDO:0012807, OMIM 612138.
Autosomal recessive limb-girdle muscular dystrophy type 2Q (LGMDR17). Also called: MUSCULAR DYSTROPHY, LIMB-GIRDLE, AUTOSOMAL RECESSIVE 17. Identifiers: Orphanet 254361, MedGen C3150989, MONDO:0013390, OMIM 613723.
Epidermolysis bullosa simplex with nail dystrophy (EBS5D). Identifiers: MedGen C4225309, MONDO:0014661, OMIM 616487.
Epidermolysis bullosa simplex 5B, with muscular dystrophy (EBS5B). Also called: EPIDERMOLYSIS BULLOSA SIMPLEX AND LIMB-GIRDLE MUSCULAR DYSTROPHY; Epidermolysis bullosa simplex with muscular dystrophy. Identifiers: Orphanet 257, MedGen C2931072, MONDO:0009181, OMIM 226670.

Allele frequency attached by ClinVar (database versions not stated): gnomAD exomes 0.00002 and 0.00006; gnomAD 0.00005 and 0.00006; TOPMed 0.00005; ExAC 0.00007; 1000 Genomes Project 30x 0.00016; 1000 Genomes Project 0.00020.
gnomAD v4.1: 42 of 1,614,070 alleles (0.0026%); highest among the groups gnomAD compares: Admixed American, 0.02%; no homozygotes.

Submissions (2):

Labcorp Genetics (formerly Invitae), Labcorp
Classification: Uncertain significance for Autosomal recessive limb-girdle muscular dystrophy type 2Q; Epidermolysis bullosa simplex, Ogna type; Epidermolysis bullosa simplex with nail dystrophy; Epidermolysis bullosa simplex 5C, with pyloric atresia; Epidermolysis bullosa simplex 5B, with muscular dystrophy. Last evaluated: 2025-12-10. Review status: criteria provided, single submitter. Criteria: Invitae Variant Classification Sherloc (09022015). Collection method: clinical testing. Allele origin: germline.
Comment: This sequence change replaces valine, which is neutral and non-polar, with methionine, which is neutral and non-polar, at codon 2899 of the PLEC protein (p.Val2899Met). This variant is present in population databases (rs201448049, gnomAD 0.03%). This variant has not been reported in the literature in individuals affected with PLEC-related conditions. ClinVar contains an entry for this variant (Variation ID: 952173). An algorithm developed to predict the effect of missense changes on protein structure and function (PolyPhen-2) suggests that this variant is likely to be disruptive. In summary, the available evidence is currently insufficient to determine the role of this variant in disease. Therefore, it has been classified as a Variant of Uncertain Significance.

Blueprint Genetics
Classification: Uncertain significance. Last evaluated: 2024-11-21. Review status: criteria provided, single submitter. Criteria: ACMG Guidelines, 2015. Collection method: clinical testing. Allele origin: germline.